The following is an entry in ClinVar:

NM_004990.4(MARS1):c.1732G>A (p.Val578Ile)

Gene: MARS1 (methionyl-tRNA synthetase 1; plus strand). Cytogenetic location: 12q13.3.
Variant type: single nucleotide variant.
Coding change: c.1732G>A on transcript NM_004990.4 (MANE Select); coding-DNA position 1732, G replaced by A.
Protein change: p.Val578Ile; replaces valine 578 with isoleucine.
Molecular consequence: missense variant.
Genome position (GRCh38, 1-based): chr12:57,512,332, G>A. VCF-style: chr12-57512332-G-A. GRCh37 (hg19) VCF-style: chr12-57906115-G-A.
Other names: short protein forms V578I.
Identifiers: ClinVar variation 848340 (VCV000848340.12), dbSNP rs544343105, ClinGen allele CA237770144.

ClinVar aggregate classification (germline): Uncertain significance. Review status: criteria provided, multiple submitters, no conflicts (2 of 4 stars). 3 submissions from 3 submitters: Uncertain significance (3). Last evaluated 2025-05-28.

Conditions:
Severe early-onset pulmonary alveolar proteinosis due to MARS deficiency. Also called: PULMONARY ALVEOLAR PROTEINOSIS, REUNION ISLAND; Interstitial lung and liver disease. Identifiers: Orphanet 440427, MedGen C4225400, MONDO:0014206, OMIM 615486.
Charcot-Marie-Tooth disease axonal type 2U. Also called: CHARCOT-MARIE-TOOTH NEUROPATHY, TYPE 2U; CHARCOT-MARIE-TOOTH DISEASE, AXONAL, AUTOSOMAL DOMINANT, TYPE 2U. Identifiers: Orphanet 397735, MedGen C4084821, MONDO:0014566, OMIM 616280.

Allele frequency attached by ClinVar (database versions not stated): gnomAD exomes below 0.00001 and 0.00001; TOPMed below 0.00001; gnomAD 0.00003; 1000 Genomes Project 30x 0.00016; 1000 Genomes Project 0.00020.
gnomAD v4.1: 16 of 1,613,764 alleles (0.00099%); highest among the groups gnomAD compares: Admixed American, 0.027%; no homozygotes.

Submissions (3):

Ambry Genetics
Classification: Uncertain significance. Last evaluated: 2025-05-28. Review status: criteria provided, single submitter. Criteria: Ambry Variant Classification Scheme 2023. Collection method: clinical testing. Allele origin: germline.

Labcorp Genetics (formerly Invitae), Labcorp
Classification: Uncertain significance for Charcot-Marie-Tooth disease axonal type 2U; Severe early-onset pulmonary alveolar proteinosis due to MARS deficiency. Last evaluated: 2024-10-24. Review status: criteria provided, single submitter. Criteria: Invitae Variant Classification Sherloc (09022015). Collection method: clinical testing. Allele origin: germline.
Comment: This sequence change replaces valine, which is neutral and non-polar, with isoleucine, which is neutral and non-polar, at codon 578 of the MARS protein (p.Val578Ile). This variant is present in population databases (rs544343105, gnomAD 0.003%). This variant has not been reported in the literature in individuals affected with MARS-related conditions. ClinVar contains an entry for this variant (Variation ID: 848340). An algorithm developed to predict the effect of missense changes on protein structure and function (PolyPhen-2) suggests that this variant is likely to be disruptive. In summary, the available evidence is currently insufficient to determine the role of this variant in disease. Therefore, it has been classified as a Variant of Uncertain Significance.

GeneDx
Classification: Uncertain significance. Last evaluated: 2024-03-25. Review status: criteria provided, single submitter. Criteria: GeneDx Variant Classification Process June 2021. Collection method: clinical testing. Allele origin: germline. Affected: yes.
Comment: Not observed at significant frequency in large population cohorts (gnomAD); In silico analysis supports that this missense variant does not alter protein structure/function; Has not been previously published as pathogenic or benign to our knowledge